The following is an entry in ClinVar:

ClinVar aggregate classification (germline): Uncertain significance (1 of 4 stars; one submission).

Submission:

Labcorp Genetics (formerly Invitae), Labcorp
Classification: Uncertain significance. Last evaluated: 2024-03-12. Review status: criteria provided, single submitter. Criteria: Invitae Variant Classification Sherloc (09022015). Collection method: clinical testing. Allele origin: germline.
Comment: This sequence change replaces glutamic acid, which is acidic and polar, with lysine, which is basic and polar, at codon 2731 of the FBN3 protein (p.Glu2731Lys). This variant is not present in population databases (gnomAD no frequency). This variant has not been reported in the literature in individuals affected with FBN3-related conditions. Advanced modeling of protein sequence and biophysical properties (such as structural, functional, and spatial information, amino acid conservation, physicochemical variation, residue mobility, and thermodynamic stability) performed at Invitae indicates that this missense variant is not expected to disrupt FBN3 protein function with a negative predictive value of 80%. In summary, the available evidence is currently insufficient to determine the role of this variant in disease. Therefore, it has been classified as a Variant of Uncertain Significance.

NM_032447.5(FBN3):c.8191G>A (p.Glu2731Lys)

Gene: FBN3 (fibrillin 3; minus strand). Cytogenetic location: 19p13.2.
Variant type: single nucleotide variant.
Coding change: c.8191G>A on transcript NM_032447.5 (MANE Select); coding-DNA position 8191, G replaced by A.
Protein change: p.Glu2731Lys; replaces glutamic acid 2731 with lysine.
Molecular consequence: missense variant.
Genome position (GRCh38, 1-based): chr19:8,066,158, C>T on the plus strand (G>A on the coding strand, the complement: FBN3 is on the minus strand). VCF-style: chr19-8066158-C-T. GRCh37 (hg19) VCF-style: chr19-8131042-C-T.
Other names: c.8191G>A, p.Glu2731Lys (NM_001321431.2); short protein forms E2731K.
Identifiers: ClinVar variation 3645532 (VCV003645532.2).
Genomic context (GRCh38, chr19:8,066,158, plus strand): 5'-GAAAGAAACCTTGCTCGTTTCCGCGGACGATGACGTAGCGGATCCGGCCCTCTAGACCCT[C>T]CAGGGCCGGCCGGAGCTCCAGGATGCGCTCGGCCCGGCCCAGGTGTGAGAGGTTCAGGCC-3'
Protein context (NP_115823.3, residues 2721-2741): ERILELRPAL[Glu2731Lys]GLEGRIRYVI